The following is an entry in ClinVar:

ClinVar aggregate classification (germline): Pathogenic (1 of 4 stars; one submission).

Conditions:
Primary ciliary dyskinesia 3. Identifiers: Orphanet 244, MedGen C1837618, MONDO:0012085, OMIM 608644.

Submission:

Myriad Genetics, Inc.
Classification: Pathogenic for Primary ciliary dyskinesia 3. Last evaluated: 2024-05-14. Review status: criteria provided, single submitter. Criteria: Myriad Autosomal Dominant, Autosomal Recessive and X-Linked Classification Criteria (2023). Collection method: clinical testing. Allele origin: unknown.
Comment: NM_001369.2(DNAH5):c.9954_9967del14ins4(M3320Wfs*15) is expected to be pathogenic in the context of primary ciliary dyskinesia, DNAH5-related. This variant is predicted to lead to an abnormal or absent protein product due to the creation of a premature termination codon in DNAH5, a gene where loss-of-function variants are known to be pathogenic. Please note: this variant was assessed in the context of healthy population screening.

NM_001369.3(DNAH5):c.9954_9967delinsTATC (p.Met3320fs)

Gene: DNAH5 (dynein axonemal heavy chain 5; minus strand). Cytogenetic location: 5p15.2.
Variant type: Indel.
Coding change: c.9954_9967delinsTATC on transcript NM_001369.3 (MANE Select); coding-DNA positions 9954 to 9967, CATCATGCGGATCA replaced by TATC.
Protein change: p.Met3320fs; shifts the reading frame from methionine 3320.
Molecular consequence: frameshift variant.
Genome position (GRCh38, 1-based): chr5:13,766,110-13,766,123, TGATCCGCATGATG replaced by GATA on the plus strand (CATCATGCGGATCA replaced by TATC on the coding strand, the reverse complement: DNAH5 is on the minus strand). VCF-style: chr5-13766110-TGATCCGCATGATG-GATA. GRCh37 (hg19) VCF-style: chr5-13766219-TGATCCGCATGATG-GATA.
Other names: short protein forms M3320fs.
Identifiers: ClinVar variation 5010833 (VCV005010833.1).